The following is an entry in ClinVar:

NM_002471.4(MYH6):c.3999T>G (p.His1333Gln)

Gene: MYH6 (myosin heavy chain 6; minus strand). Cytogenetic location: 14q11.2.
Variant type: single nucleotide variant.
Coding change: c.3999T>G on transcript NM_002471.4 (MANE Select); coding-DNA position 3999, T replaced by G.
Protein change: p.His1333Gln; replaces histidine 1333 with glutamine.
Molecular consequence: missense variant.
Genome position (GRCh38, 1-based): chr14:23,389,035, A>C on the plus strand (T>G on the coding strand, the complement: MYH6 is on the minus strand). VCF-style: chr14-23389035-A-C. GRCh37 (hg19) VCF-style: chr14-23858244-A-C.
Other names: short protein forms H1333Q.
Identifiers: ClinVar variation 4614620 (VCV004614620.1).

ClinVar aggregate classification (germline): Uncertain significance (1 of 4 stars; one submission).

Conditions:
Cardiovascular phenotype. Identifiers: MedGen CN230736.

gnomAD v4.1: 7 of 1,293,288 alleles (0.00054%); highest among the groups gnomAD compares: Non-Finnish European, 0.00055%; no homozygotes.

Submission:

Ambry Genetics
Classification: Uncertain significance for Cardiovascular phenotype. Last evaluated: 2025-11-15. Review status: criteria provided, single submitter. Criteria: Ambry Variant Classification Scheme 2023. Collection method: clinical testing. Allele origin: germline.
Comment: The p.H1333Q variant (also known as c.3999T>G), located in coding exon 27 of the MYH6 gene, results from a T to G substitution at nucleotide position 3999. The histidine at codon 1333 is replaced by glutamine, an amino acid with highly similar properties. This amino acid position is conserved. In addition, this alteration is predicted to be tolerated by in silico analysis. Based on the available evidence, the clinical significance of this variant remains unclear.